The following is an entry in ClinVar:

ClinVar aggregate classification (germline): Uncertain significance. Review status: criteria provided, multiple submitters, no conflicts (2 of 4 stars). 5 submissions from 5 submitters: Uncertain significance (4). 1 of the submissions does not count toward it. Last evaluated 2025-11-05.

Conditions:
Hereditary cancer-predisposing syndrome. Also called: Hereditary Cancer Syndrome; Tumor predisposition; Hereditary neoplastic syndrome; Neoplastic Syndromes, Hereditary. Identifiers: Orphanet 140162, MedGen C0027672, MeSH D009386, MONDO:0015356.
Fanconi anemia (FA). Also called: Fanconi's anemia. Identifiers: Orphanet 84, MedGen C0015625, MeSH D005199, MONDO:0019391.
Fanconi anemia complementation group C (FANCC). Also called: Fanconi anemia, group C; FANCONI PANCYTOPENIA, TYPE 3; FACC; FANCC-Related Fanconi Anemia. Identifiers: Orphanet 84, MedGen C3468041, MONDO:0009213, OMIM 227645.

Allele frequency attached by ClinVar (database versions not stated): gnomAD exomes 0.00001 and below 0.00001; gnomAD 0.00003; TOPMed 0.00003.
gnomAD v4.1: 9 of 1,614,018 alleles (0.00056%); highest among the groups gnomAD compares: African/African-American, 0.012%; no homozygotes.

Submissions (5):

Ambry Genetics
Classification: Uncertain significance for Hereditary cancer-predisposing syndrome. Last evaluated: 2025-11-05. Review status: criteria provided, single submitter. Criteria: Ambry Variant Classification Scheme 2023. Collection method: clinical testing. Allele origin: germline.

Dasa
Classification: Uncertain significance. Last evaluated: 2025-07-07. Review status: criteria provided, single submitter. Criteria: DASA Assertion Criteria. Collection method: clinical testing. Allele origin: germline.
Comment: NM_000136.3(FANCC):c.1262C>G (p.Ala421Gly) is a missense variant that results in the substitution of alanine with glycine. This variant is rare in population databases. Computational prediction algorithms are consistent with a benign effect. The currently available literature and clinical evidence are not sufficient to establish a definitive association between this variant and the reported condition. Therefore, this variant is classified as a variant of uncertain significance.

Labcorp Genetics (formerly Invitae), Labcorp
Classification: Uncertain significance for Fanconi anemia. Last evaluated: 2022-10-12. Review status: criteria provided, single submitter. Criteria: Invitae Variant Classification Sherloc (09022015). Collection method: clinical testing. Allele origin: germline.
Comment: This sequence change replaces alanine, which is neutral and non-polar, with glycine, which is neutral and non-polar, at codon 421 of the FANCC protein (p.Ala421Gly). This variant is present in population databases (no rsID available, gnomAD 0.01%). This variant has not been reported in the literature in individuals affected with FANCC-related conditions. ClinVar contains an entry for this variant (Variation ID: 216282). Advanced modeling of protein sequence and biophysical properties (such as structural, functional, and spatial information, amino acid conservation, physicochemical variation, residue mobility, and thermodynamic stability) performed at Invitae indicates that this missense variant is not expected to disrupt FANCC protein function. In summary, the available evidence is currently insufficient to determine the role of this variant in disease. Therefore, it has been classified as a Variant of Uncertain Significance.

Fulgent Genetics
Classification: Uncertain significance for Fanconi anemia complementation group C. Last evaluated: 2022-04-07. Review status: criteria provided, single submitter. Criteria: ACMG Guidelines, 2015. Collection method: clinical testing. Allele origin: unknown.

Natera, Inc.
Classification: Uncertain significance for Fanconi anemia. Last evaluated: 2018-06-02. Review status: no assertion criteria provided. Collection method: clinical testing. Allele origin: germline. Not counted in ClinVar's aggregate classification.

NM_000136.3(FANCC):c.1262C>G (p.Ala421Gly)

Genes: AOPEP (aminopeptidase O (putative); plus strand), FANCC (FA complementation group C; minus strand). Cytogenetic location: 9q22.32.
Variant type: single nucleotide variant.
Coding change: c.1262C>G on transcript NM_000136.3 (MANE Select); coding-DNA position 1262, C replaced by G.
Protein change: p.Ala421Gly; replaces alanine 421 with glycine.
Molecular consequence: missense variant.
Genome position (GRCh38, 1-based): chr9:95,111,530, G>C on the plus strand (C>G on the coding strand, the complement: FANCC is on the minus strand). VCF-style: chr9-95111530-G-C. GRCh37 (hg19) VCF-style: chr9-97873812-G-C.
Other names: c.1262C>G, p.Ala421Gly (NM_001243743.2, NM_001243744.2); short protein forms A421G.
Identifiers: ClinVar variation 216282 (VCV000216282.20), dbSNP rs863224608, ClinGen allele CA337565.